The following is an entry in ClinVar:

NM_001365693.1(MGAM):c.6935G>T (p.Gly2312Val)

Gene: MGAM (maltase-glucoamylase; plus strand). Cytogenetic location: 7q34.
Variant type: single nucleotide variant.
Coding change: c.6935G>T on transcript NM_001365693.1 (MANE Select); coding-DNA position 6935, G replaced by T.
Protein change: p.Gly2312Val; replaces glycine 2312 with valine.
Molecular consequence: missense variant. On other transcripts: intron variant (1).
Genome position (GRCh38, 1-based): chr7:142,092,037, G>T. VCF-style: chr7-142092037-G-T. GRCh37 (hg19) VCF-style: chr7-141791837-G-T.
Other names: c.4619-2583G>T (NM_004668.3); short protein forms G2312V.
Identifiers: ClinVar variation 2632063 (VCV002632063.1), dbSNP rs2486745428, ClinGen allele CA369599096.
Genomic context (GRCh38, chr7:142,092,037, plus strand): 5'-GGGAAATAGAAGAACTATACAACAATCCACAGAATCCAGAGAGGAGCTTGAAGTTTGATG[G>T]CATGTGGATTGTAAGTGTGTGTGTGTCTCTGTGTACCAGTGACACTTGTCTATCTTTGTG-3'
Protein context (NP_001352622.1, residues 2302-2322): QNPERSLKFD[Gly2312Val]MWIDMNEPSS

ClinVar aggregate classification (germline): Uncertain significance (1 of 4 stars; one submission).

Conditions:
MGAM-related disorder. Also called: MGAM-related condition.

Allele frequency attached by ClinVar (database versions not stated): gnomAD exomes below 0.00001.
gnomAD v4.1: 2 of 1,539,450 alleles (0.00013%); highest among the groups gnomAD compares: Non-Finnish European, 0.00018%; 1 homozygote.

Submission:

PreventionGenetics, part of Exact Sciences
Classification: Uncertain significance for MGAM-related condition. Last evaluated: 2022-10-14. Review status: criteria provided, single submitter. Criteria: ACMG Guidelines, 2015. Collection method: clinical testing. Allele origin: germline.
Comment: The MGAM c.6935G>T variant is predicted to result in the amino acid substitution p.Gly2312Val. To our knowledge, this variant has not been reported in the literature or in a large population database, indicating this variant is rare. At this time, the clinical significance of this variant is uncertain due to the absence of conclusive functional and genetic evidence.